The following is an entry in ClinVar:

NM_201253.3(CRB1):c.71-12A>T

Gene: CRB1 (crumbs cell polarity complex component 1; plus strand). Cytogenetic location: 1q31.3.
Variant type: single nucleotide variant.
Coding change: c.71-12A>T on transcript NM_201253.3 (MANE Select); 12 bases into the intron before coding-DNA position 71, A replaced by T.
Molecular consequence: intron variant.
Genome position (GRCh38, 1-based): chr1:197,328,410, A>T. VCF-style: chr1-197328410-A-T. GRCh37 (hg19) VCF-style: chr1-197297540-A-T.
Other names: c.-137-12A>T (NM_001257965.2); c.71-12A>T (NM_001257966.2, NM_001193640.2).
Identifiers: ClinVar variation 96660 (VCV000096660.28), dbSNP rs12042179, ClinGen allele CA149651.
Genomic context (GRCh38, chr1:197,328,410, plus strand): 5'-GGTCACAAAGAAAGATTTTTAACTTTGTCCTCATTTATAAATTTAATCTTGTTACTTTTT[A>T]TTTCCTTGTAGATTCCTTTTGCAATAAAAACAACACCAGGTGCCTCTCAAATTCTTGCCA-3'

ClinVar aggregate classification (germline): Benign. Review status: criteria provided, multiple submitters, no conflicts (2 of 4 stars). 13 submissions from 10 submitters: Benign (11). 2 of the submissions do not count toward it. Last evaluated 2026-02-04.

Conditions:
Leber congenital amaurosis 8 (LCA8). Identifiers: Orphanet 65, MedGen C3151202, MONDO:0013453, OMIM 613835.
Retinitis pigmentosa 12 (RP12). Also called: RP WITH OR WITHOUT PRESERVED PARAARTERIOLE RETINAL PIGMENT EPITHELIUM; RETINITIS PIGMENTOSA WITH OR WITHOUT PARAARTERIOLAR PRESERVATION OF RETINAL PIGMENT EPITHELIUM; RP WITH OR WITHOUT PPRPE. Identifiers: Orphanet 791, MedGen C1838647, MONDO:0010818, OMIM 600105.
Retinitis pigmentosa (RP). Identifiers: Orphanet 791, MedGen C0035334, MeSH D012174, MONDO:0019200, OMIM 268000. Inheritance: Autosomal dominant, autosomal recessive and X linked inheritance.
Pigmented paravenous retinochoroidal atrophy. Identifiers: Orphanet 251295, MedGen C1868310, MONDO:0008246, OMIM 172870.

Allele frequency attached by ClinVar (database versions not stated): ESP Exome Variant Server 0.28657; gnomAD 0.33853 and 0.35173; TOPMed 0.33964; 1000 Genomes Project 30x 0.39054; 1000 Genomes Project 0.40315; gnomAD exomes 0.42085 and 0.44820; ExAC 0.44571.
gnomAD v4.1: 657,924 of 1,590,246 alleles (41%); highest among the groups gnomAD compares: East Asian, 78%; 145,185 homozygotes.

Submissions (14):

Labcorp Genetics (formerly Invitae), Labcorp
Classification: Benign for Leber congenital amaurosis 8; Retinitis pigmentosa 12. Last evaluated: 2026-02-04. Review status: criteria provided, single submitter. Criteria: Invitae Variant Classification Sherloc (09022015). Collection method: clinical testing. Allele origin: germline.

Blueprint Genetics
Classification: Benign. Last evaluated: 2024-11-26. Review status: criteria provided, single submitter. Criteria: ACMG Guidelines, 2015. Collection method: clinical testing. Allele origin: germline.

Genome-Nilou Lab
Classification: Benign for Leber congenital amaurosis 8. Last evaluated: 2021-06-10. Review status: criteria provided, single submitter. Criteria: ACMG Guidelines, 2015. Collection method: clinical testing. Allele origin: germline. Affected: no.

Genome-Nilou Lab
Classification: Benign for Pigmented paravenous retinochoroidal atrophy. Last evaluated: 2021-06-10. Review status: criteria provided, single submitter. Criteria: ACMG Guidelines, 2015. Collection method: clinical testing. Allele origin: germline. Affected: no.

Illumina Laboratory Services, Illumina
Classification: Benign for Leber congenital amaurosis 8. Last evaluated: 2018-01-13. Review status: criteria provided, single submitter. Criteria: ICSL Variant Classification Criteria 13 December 2019. Collection method: clinical testing. Allele origin: germline.
Comment: This variant was observed in the ICSL laboratory as part of a predisposition screen in an ostensibly healthy population. It had not been previously curated by ICSL or reported in the Human Gene Mutation Database (HGMD: prior to June 1st, 2018), and was therefore a candidate for classification through an automated scoring system. Utilizing variant allele frequency, disease prevalence and penetrance estimates, and inheritance mode, an automated score was calculated to assess if this variant is too frequent to cause the disease. Based on the score and internal cut-off values, a variant classified as benign is not then subjected to further curation. The score for this variant resulted in a classification of benign for this disease.

Illumina Laboratory Services, Illumina
Classification: Benign for Retinitis pigmentosa. Last evaluated: 2018-01-13. Review status: criteria provided, single submitter. Criteria: ICSL Variant Classification Criteria 13 December 2019. Collection method: clinical testing. Allele origin: germline.
Comment: the same text as in the submission from Illumina Laboratory Services, Illumina above.

Illumina Laboratory Services, Illumina
Classification: Benign for Pigmented paravenous retinochoroidal atrophy. Last evaluated: 2018-01-13. Review status: criteria provided, single submitter. Criteria: ICSL Variant Classification Criteria 13 December 2019. Collection method: clinical testing. Allele origin: germline.
Comment: the same text as in the submission from Illumina Laboratory Services, Illumina above.

Eurofins Ntd Llc (ga)
Classification: Benign. Last evaluated: 2013-09-25. Review status: criteria provided, single submitter. Criteria: EGL Classification Definitions 2015. Collection method: clinical testing. Allele origin: germline. Observed: 3 variant alleles, 2 heterozygotes, 1 homozygote.

GeneDx
Classification: Benign. Last evaluated: 2011-07-13. Review status: criteria provided, single submitter. Criteria: GeneDx Variant Classification (06012015). Collection method: clinical testing. Allele origin: germline. Affected: yes.
Comment: This variant is considered likely benign or benign based on one or more of the following criteria: it is a conservative change, it occurs at a poorly conserved position in the protein, it is predicted to be benign by multiple in silico algorithms, and/or has population frequency not consistent with disease.

Breakthrough Genomics
Classification: Benign. Review status: criteria provided, single submitter. Criteria: ACMG Guidelines, 2015. Collection method: not provided. Allele origin: germline. Inheritance: Autosomal recessive inheritance. Affected: yes.

PreventionGenetics, part of Exact Sciences
Classification: Benign. Review status: criteria provided, single submitter. Criteria: ACMG Guidelines, 2015. Collection method: clinical testing. Allele origin: germline.

Diagnostic Laboratory, Department of Genetics, University Medical Center Groningen
Classification: Benign. Review status: no assertion criteria provided. Collection method: clinical testing. Allele origin: germline. Affected: yes. Study: VKGL Data-share Consensus. Not counted in ClinVar's aggregate classification.

Dr. Peter K. Rogan Lab, Western University
No classification provided (evidence only). Condition: Hepatocellular carcinoma. Review status: no classification provided. Collection method: in vitro. Allele origin: not applicable. Functional consequence: retained intron. Not counted in ClinVar's aggregate classification.

Joint Genome Diagnostic Labs from Nijmegen and Maastricht, Radboudumc and MUMC+
Classification: Benign. Review status: no assertion criteria provided. Collection method: clinical testing. Allele origin: germline. Affected: yes. Study: VKGL Data-share Consensus. Not counted in ClinVar's aggregate classification.